The following is an entry in ClinVar:

ClinVar aggregate classification (germline): Likely pathogenic (1 of 4 stars; one submission).

Conditions:
TTC21B-related disorder. Also called: TTC21B-related disorders; TTC21B-related condition.

Submission:

PreventionGenetics, part of Exact Sciences
Classification: Likely pathogenic for TTC21B-related condition. Last evaluated: 2025-01-30. Review status: criteria provided, single submitter. Criteria: ACMG Guidelines, 2015. Collection method: clinical testing. Allele origin: germline.
Comment: The TTC21B c.2301delC variant is predicted to result in a frameshift and premature protein termination (p.Thr769Leufs*15). To our knowledge, this variant has not been reported in the literature or in a large population database (gnomAD), indicating this variant is rare. Frameshift variants in TTC21B are expected to be pathogenic. This variant is interpreted as likely pathogenic.

NM_024753.5(TTC21B):c.2301del (p.Thr769fs)

Gene: TTC21B (tetratricopeptide repeat domain 21B; minus strand). Cytogenetic location: 2q24.3.
Variant type: Deletion.
Coding change: c.2301del on transcript NM_024753.5 (MANE Select); coding-DNA position 2301, one base deleted (C; older notation c.2301delC).
Protein change: p.Thr769fs; shifts the reading frame from threonine 769.
Molecular consequence: frameshift variant.
Genome position (GRCh38, 1-based): chr2:165,912,535, G deleted on the plus strand (C on the coding strand, the reverse complement: TTC21B is on the minus strand). VCF-style (leftmost placement, unchanged base first): chr2-165912534-TG-T. GRCh37 (hg19) VCF-style: chr2-166769044-TG-T.
Other names: short protein forms T769fs.
Identifiers: ClinVar variation 5000515 (VCV005000515.1).